The following is an entry in ClinVar:

ClinVar aggregate classification (germline): Uncertain significance. Review status: criteria provided, multiple submitters, no conflicts (2 of 4 stars). 3 submissions from 3 submitters: Uncertain significance (2). 1 of the submissions does not count toward it. Last evaluated 2023-03-14.

Conditions:
Inborn genetic diseases. Identifiers: MedGen C0950123, MeSH D030342.
Renal hypomagnesemia 5 with ocular involvement. Also called: HYPOMAGNESEMIA 5, RENAL, WITH OR WITHOUT OCULAR INVOLVEMENT; FHHNC WITH SEVERE OCULAR INVOLVEMENT; HYPOMAGNESEMIA, FAMILIAL, WITH HYPERCALCIURIA, NEPHROCALCINOSIS, AND SEVERE OCULAR INVOLVEMENT; MACULAR COLOBOMA, BILATERAL, WITH HYPERCALCIURIA. Identifiers: Orphanet 2196, MedGen C4721891, MONDO:0009548, OMIM 248190.

Allele frequency attached by ClinVar (database versions not stated): TOPMed below 0.00001; ExAC 0.00001; gnomAD 0.00001; gnomAD exomes 0.00001.

Submissions (3):

Ambry Genetics
Classification: Uncertain significance for Inborn genetic diseases. Last evaluated: 2023-03-14. Review status: criteria provided, single submitter. Criteria: Ambry Variant Classification Scheme 2023. Collection method: clinical testing. Allele origin: germline.

Fulgent Genetics
Classification: Uncertain significance for Renal hypomagnesemia 5 with ocular involvement. Last evaluated: 2022-03-31. Review status: criteria provided, single submitter. Criteria: ACMG Guidelines, 2015. Collection method: clinical testing. Allele origin: unknown.

Martin Pollak Laboratory,  Beth Israel Deaconess Medical Center
Classification: Uncertain significance. Review status: no assertion criteria provided. Collection method: not provided. Allele origin: unknown. Not counted in ClinVar's aggregate classification.
Comment: Higher UCa2+ group
ClinVar note: Converted during submission from unknown to Uncertain significance.

NM_148960.3(CLDN19):c.671T>A (p.Val224Glu)

Gene: CLDN19 (claudin 19; minus strand). Cytogenetic location: 1p34.2.
Variant type: single nucleotide variant.
Coding change: c.671T>A on transcript NM_148960.3 (MANE Select); coding-DNA position 671, T replaced by A.
Protein change: p.Val224Glu; replaces valine 224 with glutamic acid.
Molecular consequence: missense variant. On other transcripts: 3 prime UTR variant (2).
Genome position (GRCh38, 1-based): chr1:42,735,090, A>T on the plus strand (T>A on the coding strand, the complement: CLDN19 is on the minus strand). VCF-style: chr1-42735090-A-T. GRCh37 (hg19) VCF-style: chr1-43200761-A-T.
Other names: c.*778T>A (NM_001123395.2); c.*672T>A (NM_001185117.2); c.671T>A (NM_148960.2); short protein forms V224E.
Identifiers: ClinVar variation 64478 (VCV000064478.5), dbSNP rs387907420, ClinGen allele CA216231.